The following is an entry in ClinVar:

ClinVar aggregate classification (germline): Conflicting classifications of pathogenicity. Review status: criteria provided, conflicting classifications (1 of 4 stars). 4 submissions from 4 submitters: Uncertain significance (1); Benign (1); Likely benign (2). Last evaluated 2025-09-21.

Conditions:
PCNT-related disorder. Also called: PCNT-related condition.
Microcephalic osteodysplastic primordial dwarfism type II (MOPD2). Also called: Microcephalic osteodysplastic primordial dwarfism with tooth abnormalities; MOPD II; OSTEODYSPLASTIC PRIMORDIAL DWARFISM, TYPE II. Identifiers: Orphanet 2637, MedGen C0432246, MONDO:0008872, OMIM 210720.

Allele frequency attached by ClinVar (database versions not stated): ExAC 0.00022; 1000 Genomes Project 30x 0.00078; 1000 Genomes Project 0.00100; gnomAD 0.00004 and 0.00011; TOPMed 0.00004; gnomAD exomes 0.00021.
gnomAD v4.1: 347 of 1,613,838 alleles (0.022%); highest among the groups gnomAD compares: East Asian, 0.72%; 3 homozygotes.

Submissions (4):

PreventionGenetics, part of Exact Sciences
Classification: Likely benign for PCNT-related condition. Last evaluated: 2025-09-21. Review status: criteria provided, single submitter. Criteria: ACMG Guidelines, 2015. Collection method: clinical testing. Allele origin: germline.
Comment: This variant is classified as likely benign based on ACMG/AMP sequence variant interpretation guidelines (Richards et al. 2015 PMID: 25741868, with internal and published modifications).

Labcorp Genetics (formerly Invitae), Labcorp
Classification: Benign. Last evaluated: 2024-09-26. Review status: criteria provided, single submitter. Criteria: Invitae Variant Classification Sherloc (09022015). Collection method: clinical testing. Allele origin: germline.

GeneDx
Classification: Likely benign. Last evaluated: 2019-07-25. Review status: criteria provided, single submitter. Criteria: GeneDx Variant Classification Process June 2021. Collection method: clinical testing. Allele origin: germline. Affected: yes.

Illumina Laboratory Services, Illumina
Classification: Uncertain significance for Microcephalic osteodysplastic primordial dwarfism type II. Last evaluated: 2018-01-13. Review status: criteria provided, single submitter. Criteria: ICSL Variant Classification Criteria 13 December 2019. Collection method: clinical testing. Allele origin: germline.

NM_006031.6(PCNT):c.3108C>T (p.Thr1036=)

Gene: PCNT (pericentrin; plus strand). Cytogenetic location: 21q22.3.
Variant type: single nucleotide variant.
Coding change: c.3108C>T on transcript NM_006031.6 (MANE Select); coding-DNA position 3108, C replaced by T.
Protein change: p.Thr1036=; no amino-acid change (threonine 1036 retained).
Molecular consequence: synonymous variant.
Genome position (GRCh38, 1-based): chr21:46,367,082, C>T. VCF-style: chr21-46367082-C-T. GRCh37 (hg19) VCF-style: chr21-47786997-C-T.
Other names: c.2754C>T, p.Thr918= (NM_001315529.2).
Identifiers: ClinVar variation 383083 (VCV000383083.13), dbSNP rs182694054, ClinGen allele CA10079173.
Genomic context (GRCh38, chr21:46,367,082, plus strand): 5'-GGAGAAACTGAAGCGGAAACACGAAGGGGAGCTACAGTCTGTGCGGGACCACCTGCGAAC[C>T]GAAGTGAGCACAGAGCTCGCCGGAACCGTGGCTCACGAGCTGCAGGGAGTGCACCAGGTA-3'
Protein context (NP_006022.3, residues 1026-1046): ELQSVRDHLR[Thr1036=]EVSTELAGTV